The following is an entry in ClinVar:

NM_012463.4(ATP6V0A2):c.877G>A (p.Glu293Lys)

Gene: ATP6V0A2 (ATPase H+ transporting V0 subunit a2; plus strand). Cytogenetic location: 12q24.31.
Variant type: single nucleotide variant.
Coding change: c.877G>A on transcript NM_012463.4 (MANE Select); coding-DNA position 877, G replaced by A.
Protein change: p.Glu293Lys; replaces glutamic acid 293 with lysine.
Molecular consequence: missense variant.
Genome position (GRCh38, 1-based): chr12:123,737,110, G>A. VCF-style: chr12-123737110-G-A. GRCh37 (hg19) VCF-style: chr12-124221657-G-A.
Other names: short protein forms E293K.
Identifiers: ClinVar variation 1253742 (VCV001253742.7), dbSNP rs368924297, ClinGen allele CA6861767.

ClinVar aggregate classification (germline): Uncertain significance. Review status: criteria provided, multiple submitters, no conflicts (2 of 4 stars). 3 submissions from 3 submitters: Uncertain significance (3). Last evaluated 2023-10-13.

Conditions:
Inborn genetic diseases. Identifiers: MedGen C0950123, MeSH D030342.
ALG9 congenital disorder of glycosylation (CDG1L). Also called: CONGENITAL DISORDER OF GLYCOSYLATION, TYPE Il; ALG9-CDG; CDG Il. Identifiers: Orphanet 79328, MedGen C2931006, MONDO:0012117, OMIM 608776.

Allele frequency attached by ClinVar (database versions not stated): gnomAD exomes 0.00002 and 0.00005; ExAC 0.00004; ESP Exome Variant Server 0.00015.

Submissions (3):

Labcorp Genetics (formerly Invitae), Labcorp
Classification: Uncertain significance for ALG9 congenital disorder of glycosylation. Last evaluated: 2023-10-13. Review status: criteria provided, single submitter. Criteria: Invitae Variant Classification Sherloc (09022015). Collection method: clinical testing. Allele origin: germline.
Comment: This sequence change replaces glutamic acid, which is acidic and polar, with lysine, which is basic and polar, at codon 293 of the ATP6V0A2 protein (p.Glu293Lys). This variant is present in population databases (rs368924297, gnomAD 0.02%). This variant has not been reported in the literature in individuals affected with ATP6V0A2-related conditions. ClinVar contains an entry for this variant (Variation ID: 1253742). Advanced modeling of protein sequence and biophysical properties (such as structural, functional, and spatial information, amino acid conservation, physicochemical variation, residue mobility, and thermodynamic stability) performed at Invitae indicates that this missense variant is not expected to disrupt ATP6V0A2 protein function. In summary, the available evidence is currently insufficient to determine the role of this variant in disease. Therefore, it has been classified as a Variant of Uncertain Significance.

GeneDx
Classification: Uncertain significance. Last evaluated: 2021-08-26. Review status: criteria provided, single submitter. Criteria: GeneDx Variant Classification Process June 2021. Collection method: clinical testing. Allele origin: germline. Affected: yes.
Comment: In silico analysis supports that this missense variant does not alter protein structure/function; Has not been previously published as pathogenic or benign to our knowledge

Ambry Genetics
Classification: Uncertain significance for Inborn genetic diseases. Last evaluated: 2021-04-29. Review status: criteria provided, single submitter. Criteria: Ambry Variant Classification Scheme 2023. Collection method: clinical testing. Allele origin: germline.